The following is an entry in ClinVar:

NM_015355.4(SUZ12):c.1471A>G (p.Ile491Val)

Gene: SUZ12 (SUZ12 polycomb repressive complex 2 subunit; plus strand). Cytogenetic location: 17q11.2.
Variant type: single nucleotide variant.
Coding change: c.1471A>G on transcript NM_015355.4 (MANE Select); coding-DNA position 1471, A replaced by G.
Protein change: p.Ile491Val; replaces isoleucine 491 with valine.
Molecular consequence: missense variant.
Genome position (GRCh38, 1-based): chr17:31,994,597, A>G. VCF-style: chr17-31994597-A-G. GRCh37 (hg19) VCF-style: chr17-30321616-A-G.
Other names: c.1402A>G, p.Ile468Val (NM_001321207.2); short protein forms I491V, I468V.
Identifiers: ClinVar variation 3323706 (VCV003323706.3).

ClinVar aggregate classification (germline): Uncertain significance. Review status: criteria provided, multiple submitters, no conflicts (2 of 4 stars). 2 submissions from 2 submitters: Uncertain significance (2). Last evaluated 2026-05-26.

Conditions:
Inborn genetic diseases. Identifiers: MedGen C0950123, MeSH D030342.

gnomAD v4.1: 4 of 1,613,536 alleles (0.00025%); highest among the groups gnomAD compares: Admixed American, 0.0017%; no homozygotes.

Submissions (2):

Women's Health and Genetics/Laboratory Corporation of America, LabCorp
Classification: Uncertain significance. Last evaluated: 2026-05-26. Review status: criteria provided, single submitter. Criteria: LabCorp Variant Classification Summary - May 2015. Collection method: clinical testing. Allele origin: germline.
Comment: Variant summary: SUZ12 c.1471A>G (p.Ile491Val) results in a conservative amino acid change in the encoded protein sequence. Algorithms developed to predict the effect of missense changes on protein structure and function are either unavailable or do not agree on the potential impact of this missense change. The variant was absent in 250930 control chromosomes. The available data on variant occurrences in the general population are insufficient to allow any conclusion about variant significance. To our knowledge, no occurrence of c.1471A>G in individuals affected with SUZ12-related conditions and no experimental evidence demonstrating its impact on protein function have been reported. ClinVar contains an entry for this variant (Variation ID: 3323706). Based on the evidence outlined above, the variant was classified as uncertain significance.

Ambry Genetics
Classification: Uncertain significance for Inborn genetic diseases. Last evaluated: 2024-04-20. Review status: criteria provided, single submitter. Criteria: Ambry Variant Classification Scheme 2023. Collection method: clinical testing. Allele origin: germline.